The following is an entry in ClinVar:

ClinVar aggregate classification (germline): Conflicting classifications of pathogenicity. Review status: criteria provided, conflicting classifications (1 of 4 stars). 7 submissions from 7 submitters: Uncertain significance (5); Likely benign (1). 1 of the submissions does not count toward it. Last evaluated 2026-02-01.

Conditions:
Anterior segment dysgenesis. Also called: Ocular anterior segment dysgenesis. Identifiers: Orphanet 88632, MedGen C1862839, MONDO:0019503, HP:0007700.
Congenital primary aphakia. Also called: ANTERIOR SEGMENT DYSGENESIS 2; Anterior segment dysgenesis 2, multiple subtypes. Identifiers: Orphanet 83461, MedGen C1853230, MONDO:0012456, OMIM 610256.
Cardiovascular phenotype. Identifiers: MedGen CN230736.
FOXE3-related disorder. Also called: FOXE3-related condition.

Allele frequency attached by ClinVar (database versions not stated): TOPMed 0.00039; gnomAD 0.00040 and 0.00044; ESP Exome Variant Server 0.00044; gnomAD exomes 0.00060 and 0.00097; ExAC 0.00071.

Submissions (7):

Labcorp Genetics (formerly Invitae), Labcorp
Classification: Uncertain significance for Anterior segment dysgenesis; Congenital primary aphakia. Last evaluated: 2026-02-01. Review status: criteria provided, single submitter. Criteria: Invitae Variant Classification Sherloc (09022015). Collection method: clinical testing. Allele origin: germline.
Comment: This sequence change replaces alanine, which is neutral and non-polar, with valine, which is neutral and non-polar, at codon 176 of the FOXE3 protein (p.Ala176Val). This variant is present in population databases (rs201955081, gnomAD 0.1%), and has an allele count higher than expected for a pathogenic variant. This variant has not been reported in the literature in individuals affected with FOXE3-related conditions. ClinVar contains an entry for this variant (Variation ID: 643978). Invitae Evidence Modeling of protein sequence and biophysical properties (such as structural, functional, and spatial information, amino acid conservation, physicochemical variation, residue mobility, and thermodynamic stability) indicates that this missense variant is not expected to disrupt FOXE3 protein function with a negative predictive value of 80%. In summary, the available evidence is currently insufficient to determine the role of this variant in disease. Therefore, it has been classified as a Variant of Uncertain Significance.

GeneDx
Classification: Uncertain significance. Last evaluated: 2025-05-20. Review status: criteria provided, single submitter. Criteria: GeneDx Variant Classification Process June 2021. Collection method: clinical testing. Allele origin: germline. Affected: yes.
Comment: In silico analysis suggests that this missense variant does not alter protein structure/function; Has not been previously published in association with FOXE3-related disorders to our knowledge; This variant is associated with the following publications: (PMID: 20140963)

Blueprint Genetics
Classification: Uncertain significance. Last evaluated: 2024-09-04. Review status: criteria provided, single submitter. Criteria: ACMG Guidelines, 2015. Collection method: clinical testing. Allele origin: germline.

Ambry Genetics
Classification: Likely benign for Cardiovascular phenotype. Last evaluated: 2021-09-20. Review status: criteria provided, single submitter. Criteria: Ambry Variant Classification Scheme 2023. Collection method: clinical testing. Allele origin: germline.

CeGaT Center for Human Genetics Tuebingen
Classification: Uncertain significance. Last evaluated: 2020-03-01. Review status: criteria provided, single submitter. Criteria: CeGaT Center For Human Genetics Tuebingen Variant Classification Criteria Version 2. Collection method: clinical testing. Allele origin: germline. Affected: yes. Observed: 1 variant allele.

Revvity Omics, Revvity
Classification: Uncertain significance. Last evaluated: 2019-05-28. Review status: criteria provided, single submitter. Criteria: ACMG Guidelines, 2015. Collection method: clinical testing. Allele origin: germline.

PreventionGenetics, part of Exact Sciences
Classification: Likely benign for FOXE3-related condition. Last evaluated: 2024-03-11. Review status: no assertion criteria provided. Collection method: clinical testing. Allele origin: germline. Not counted in ClinVar's aggregate classification.
Comment: This variant is classified as likely benign based on ACMG/AMP sequence variant interpretation guidelines (Richards et al. 2015 PMID: 25741868, with internal and published modifications).

Literature cited by the submitters: PubMed 20140963 (cited by Ambry Genetics).

NM_012186.3(FOXE3):c.527C>T (p.Ala176Val)

Genes: FOXE3 (forkhead box E3; plus strand), LINC01389 (long independently transcribed non-coding RNA 1389; minus strand). Cytogenetic location: 1p33.
Variant type: single nucleotide variant.
Coding change: c.527C>T on transcript NM_012186.3 (MANE Select); coding-DNA position 527, C replaced by T.
Protein change: p.Ala176Val; replaces alanine 176 with valine.
Molecular consequence: missense variant.
Genome position (GRCh38, 1-based): chr1:47,416,842, C>T. VCF-style: chr1-47416842-C-T. GRCh37 (hg19) VCF-style: chr1-47882514-C-T.
Other names: short protein forms A176V.
Identifiers: ClinVar variation 643978 (VCV000643978.56), dbSNP rs201955081, ClinGen allele CA842991.